The following continues an entry in ClinVar:

NM_000169.3(GLA):c.1087C>T (p.Arg363Cys)

ClinVar aggregate classification (germline): Pathogenic/Likely pathogenic. Pathogenic (5); Likely pathogenic (8).

Submissions 11 to 14 of 14:

Color Diagnostics, LLC DBA Color Health
Classification: Likely pathogenic for Fabry disease. Last evaluated: 2021-07-09. Review status: criteria provided, single submitter. Criteria: ACMG Guidelines, 2015. Collection method: clinical testing. Allele origin: germline.
Comment: This missense variant replaces arginine with cysteine at codon 363 of the GLA protein. Computational prediction is inconclusive regarding the impact of this variant on protein structure and function (internally defined REVEL score threshold 0.5 < inconclusive < 0.7, PMID: 27666373). A functional study has shown that this variant leads to 7.5% residual GLA enzyme activity when expressed in HEK-293 cells (PMID: 21598360). Both of them had reduced GLA enzyme activity. This variant has been identified in 2/183376 chromosomes in the general population by the Genome Aggregation Database (gnomAD). A different missense variant occurring at the same codon, p.Arg363His, has been associated with Fabry disease (Clinvar variation ID: 222141), indicating that arginine at this position is important for the protein function. Based on the available evidence, this variant is classified as Likely Pathogenic.

Broad Center for Mendelian Genomics, Broad Institute of MIT and Harvard
Classification: Likely pathogenic for Fabry disease. Last evaluated: 2020-01-22. Review status: criteria provided, single submitter. Criteria: ACMG Guidelines, 2015. Collection method: curation. Allele origin: germline. Inheritance: X-linked inheritance.
Comment: The p.Arg363Cys variant in GLA has been reported in the literature in two males with classic Fabry, as well as in five individuals in ClinVar (PMID: 12175777, 21598360; ID:198401), and has been identified in 0.00244% (2/81841) of European (non-Finnish) chromosomes, including 1 hemizygote, by the Genome Aggregation Database (gnomAD; dbSNP rs797044776). Although this variant has been seen in the general population, its frequency is low enough to be consistent with Fabry disease. Please note that for diseases with clinical variability, or reduced penetrance, pathogenic variants may be present at a low frequency in the general population. This variant has also been reported in ClinVar as pathogenic by EGL Genetic Diagnostics (VariationID:198401). In vitro functional studies provide some evidence that the p.Arg363Cys variant may slightly impact protein function (PMID: 21598360, 27744182, 19387866). However, these types of assays may not accurately represent biological function. Computational prediction tools and conservation analyses do not provide strong support for or against an impact to the protein. The phenotype of an individual hemizygous for this variant is highly specific for Fabry disease based on the classical phenotype that is consistent with disease (PMID: 12175777). One additional likely pathogenic variant, causing a different amino acid change at the same position, p.Arg363His, has been reported in association with disease in the literature and ClinVar, slightly supporting that a change at this position may not be tolerated (PMID: 21598360, 28302345,12175777, 23935525, 26937405,11668641,25382311/Variation ID: 222141). In summary, although additional studies are required to fully establish its clinical significance, this variant is likely pathogenic. ACMG/AMP Criteria applied: PM2_supporting, PS3_supporting, PS4_moderate, PP4, PM5_supporting (Richards 2015).

X-linked inheritance (primarily recessive with milder female expression)

Eurofins Ntd Llc (ga)
Classification: Pathogenic. Last evaluated: 2015-02-03. Review status: criteria provided, single submitter. Criteria: EGL Classification Definitions 2015. Collection method: clinical testing. Allele origin: germline. Observed: 5 variant alleles, 3 heterozygotes, 2 hemizygotes.

Agnes Ginges Centre for Molecular Cardiology, Centenary Institute
Classification: Likely pathogenic for Fabry disease. Last evaluated: 2019-06-27. Review status: no assertion criteria provided. Collection method: research. Allele origin: germline. Inheritance: X-linked inheritance. Affected: yes. Not counted in ClinVar's aggregate classification.
Comment: GLA Arg353Cys has been previously identified in 5 Fabry patients (Phyu P, et al., 2018; Pettazzoni M, et al., 2017; Benjamin ER, et al., 2009; Shabbeer J, et al., 2002). The variant is present at a low frequency in the Genome Aggregation Database (MAF= 0.000011). In silico tools SIFT and PolyPhen-2 predict this variant to be benign, however MutationTaster predicts this variant to be "Disease causing". Interestingly another amino acid change at this position (Arg363His) has been classified as pathogenic. suggesting that an amino acid substitution at this site may not be tolerated. In summary, based on rarity in the general population, reports of this variant in affected individuals, and because Fabry disease is caused only by variants in the GLA gene, we classify GLA Arg353Cys as "likely pathogenic".

Literature cited by the submitters: PubMed 32442237 (cited by Genomenon, Inc and Women's Health and Genetics/Laboratory Corporation of America, LabCorp); PubMed 29661900 (cited by 4 submitters); PubMed 37807078 (cited by Genomenon, Inc and Ambry Genetics); PubMed 12175777 (cited by 7 submitters); PubMed 39348817 (cited by 3 submitters); PubMed 31987665 (cited by Genomenon, Inc); PubMed 39099234 (cited by Genomenon, Inc); PubMed 21598360 (cited by 5 submitters); PubMed 27474919 (cited by Genomenon, Inc); PubMed 19387866 (cited by 4 submitters); PubMed 27657681 (cited by Genomenon, Inc); PubMed 27744182 (cited by Genomenon, Inc); PubMed 22063097 (cited by Genomenon, Inc and Women's Health and Genetics/Laboratory Corporation of America, LabCorp); PubMed 34173867 (cited by Genomenon, Inc); PubMed 11668641 (cited by Labcorp Genetics (formerly Invitae), Labcorp); PubMed 26937405 (cited by Labcorp Genetics (formerly Invitae), Labcorp and Variantyx, Inc.); PubMed 28302345 (cited by Labcorp Genetics (formerly Invitae), Labcorp); PubMed 35977816 (cited by Ambry Genetics); PubMed 39822326 (cited by Ambry Genetics); PubMed 15924232 (cited by Women's Health and Genetics/Laboratory Corporation of America, LabCorp); PubMed 21138548 (cited by Women's Health and Genetics/Laboratory Corporation of America, LabCorp); PubMed 15003450 (cited by Women's Health and Genetics/Laboratory Corporation of America, LabCorp); PubMed 27916943 (cited by Women's Health and Genetics/Laboratory Corporation of America, LabCorp); PubMed 28749998 (cited by Women's Health and Genetics/Laboratory Corporation of America, LabCorp and Agnes Ginges Centre for Molecular Cardiology, Centenary Institute); PubMed 31860127 (cited by Women's Health and Genetics/Laboratory Corporation of America, LabCorp); PubMed 29437868 (cited by Women's Health and Genetics/Laboratory Corporation of America, LabCorp); PubMed 30103270 (cited by Women's Health and Genetics/Laboratory Corporation of America, LabCorp); PubMed 28615118 (cited by Women's Health and Genetics/Laboratory Corporation of America, LabCorp and Agnes Ginges Centre for Molecular Cardiology, Centenary Institute); PubMed 25762495 (cited by Women's Health and Genetics/Laboratory Corporation of America, LabCorp).